The following is an entry in ClinVar:

NM_001382567.1(STIM1):c.238A>G (p.Asn80Asp)

Gene: STIM1 (stromal interaction molecule 1; plus strand). Cytogenetic location: 11p15.4.
Variant type: single nucleotide variant.
Coding change: c.238A>G on transcript NM_001382567.1 (MANE Select); coding-DNA position 238, A replaced by G.
Protein change: p.Asn80Asp; replaces asparagine 80 with aspartic acid.
Molecular consequence: missense variant. On other transcripts: non-coding transcript variant (3), intron variant (4).
Genome position (GRCh38, 1-based): chr11:3,967,650, A>G. VCF-style: chr11-3967650-A-G. GRCh37 (hg19) VCF-style: chr11-3988880-A-G.
Other names: c.238A>G, p.Asn80Asp (NM_001277961.3, NM_001277962.2, NM_001382568.1 and 3 more transcripts); c.16A>G, p.Asn6Asp (NM_001382566.1, NM_001382573.1, NM_001382574.1 and 5 more transcripts); c.-219-56223A>G (NM_001382580.1, NM_001382581.1); c.136-56223A>G (NM_001382569.1); c.-98-56223A>G (NM_001382571.1); short protein forms N80D, N6D.
Identifiers: ClinVar variation 1499307 (VCV001499307.6), dbSNP rs1029278195, ClinGen allele CA216283100.

ClinVar aggregate classification (germline): Uncertain significance (1 of 4 stars; one submission).

Conditions:
Stormorken syndrome (STRMK). Also called: THROMBOCYTOPATHY, ASPLENIA, AND MIOSIS. Identifiers: Orphanet 3204, MedGen C1861451, MONDO:0008497, OMIM 185070.
Myopathy with tubular aggregates (TAM). Also called: Tubular Aggregate Myopathy. Identifiers: Orphanet 2593, MedGen C0410207, MONDO:0008051.
Combined immunodeficiency due to STIM1 deficiency. Also called: STIM1 DEFICIENCY; IMMUNODEFICIENCY 10. Identifiers: Orphanet 169090, Orphanet 317430, MedGen C2748557, MONDO:0013008, OMIM 612783.

Allele frequency attached by ClinVar (database versions not stated): gnomAD exomes below 0.00001; TOPMed below 0.00001; gnomAD 0.00001.
gnomAD v4.1: 4 of 1,614,090 alleles (0.00025%); highest among the groups gnomAD compares: African/African-American, 0.0013%; no homozygotes.

Submission:

Labcorp Genetics (formerly Invitae), Labcorp
Classification: Uncertain significance for Myopathy with tubular aggregates; Combined immunodeficiency due to STIM1 deficiency; Stormorken syndrome. Last evaluated: 2024-02-17. Review status: criteria provided, single submitter. Criteria: Invitae Variant Classification Sherloc (09022015). Collection method: clinical testing. Allele origin: germline.
Comment: This sequence change replaces asparagine, which is neutral and polar, with aspartic acid, which is acidic and polar, at codon 80 of the STIM1 protein (p.Asn80Asp). This variant is not present in population databases (gnomAD no frequency). This variant has not been reported in the literature in individuals affected with STIM1-related conditions. ClinVar contains an entry for this variant (Variation ID: 1499307). Advanced modeling of protein sequence and biophysical properties (such as structural, functional, and spatial information, amino acid conservation, physicochemical variation, residue mobility, and thermodynamic stability) has been performed at Invitae for this missense variant, however the output from this modeling did not meet the statistical confidence thresholds required to predict the impact of this variant on STIM1 protein function. This variant disrupts the p.Asn80 amino acid residue in STIM1. Other variant(s) that disrupt this residue have been determined to be pathogenic (PMID: 25326555, 26255678). This suggests that this residue is clinically significant, and that variants that disrupt this residue are likely to be disease-causing. In summary, the available evidence is currently insufficient to determine the role of this variant in disease. Therefore, it has been classified as a Variant of Uncertain Significance.

Literature cited by the submitters: PubMed 25326555; PubMed 26255678.